The following is an entry in ClinVar:

NM_001130438.3(SPTAN1):c.2308_2310del (p.Lys770del)

Gene: SPTAN1 (spectrin alpha, non-erythrocytic 1; plus strand). Cytogenetic location: 9q34.11.
Variant type: Deletion.
Coding change: c.2308_2310del on transcript NM_001130438.3 (MANE Select); coding-DNA positions 2308 to 2310, 3 bases deleted (AAG; older notation c.2308_2310delAAG).
Protein change: p.Lys770del; deletes lysine 770.
Molecular consequence: inframe deletion.
Genome position (GRCh38, 1-based): chr9:128,584,396-128,584,398, AAG deleted. VCF-style (leftmost placement, unchanged base first): chr9-128584395-CAAG-C. GRCh37 (hg19) VCF-style: chr9-131346674-CAAG-C.
Other names: c.2308_2310del, p.Lys770del (NM_001195532.2, NM_001363759.2, NM_001363765.2 and 1 more transcripts); short protein forms K770del.
Identifiers: ClinVar variation 504287 (VCV000504287.2), dbSNP rs1554746442, ClinGen allele CA658797284.

ClinVar aggregate classification (germline): Likely pathogenic (1 of 4 stars; one submission).

Submission:

GeneDx
Classification: Likely pathogenic. Last evaluated: 2018-02-15. Review status: criteria provided, single submitter. Criteria: GeneDx Variant Classification (06012015). Collection method: clinical testing. Allele origin: germline. Affected: yes.
Comment: The c.2308_2310delAAG variant in the SPTAN1 gene has not been reported previously as a pathogenic variant nor as a benign variant, to our knowledge. The c.2308_2310delAAG variant causes an in-frame deletion of a Lysine reside at codon 770, denoted p.K770del. The c.2308_2310delAAG variant is not observed in large population cohorts (Lek et al., 2016). In silico analysis, which includes protein predictors and evolutionary conservation, supports a deleterious effect. We interpret c.2308_2310delAAG as a likely pathogenic variant.